The following is an entry in ClinVar:

NM_000059.4(BRCA2):c.482G>A (p.Cys161Tyr)

Gene: BRCA2 (BRCA2 DNA repair associated; plus strand). Cytogenetic location: 13q13.1.
Variant type: single nucleotide variant.
Coding change: c.482G>A on transcript NM_000059.4 (MANE Select); coding-DNA position 482, G replaced by A.
Protein change: p.Cys161Tyr; replaces cysteine 161 with tyrosine.
Molecular consequence: missense variant.
Genome position (GRCh38, 1-based): chr13:32,326,248, G>A. VCF-style: chr13-32326248-G-A. GRCh37 (hg19) VCF-style: chr13-32900385-G-A.
Other names: short protein forms C161Y.
Identifiers: ClinVar variation 232397 (VCV000232397.11), dbSNP rs876659740, ClinGen allele CA10579460.

ClinVar aggregate classification (germline): Uncertain significance. Review status: criteria provided, multiple submitters, no conflicts (2 of 4 stars). 3 submissions from 3 submitters: Uncertain significance (3). Last evaluated 2024-04-25.

Conditions:
Hereditary cancer-predisposing syndrome. Also called: Neoplastic Syndromes, Hereditary; Tumor predisposition; Hereditary Cancer Syndrome; Hereditary neoplastic syndrome. Identifiers: Orphanet 140162, MedGen C0027672, MeSH D009386, MONDO:0015356.

Submissions (3):

GeneDx
Classification: Uncertain significance. Last evaluated: 2024-04-25. Review status: criteria provided, single submitter. Criteria: GeneDx Variant Classification Process June 2021. Collection method: clinical testing. Allele origin: germline. Affected: yes.
Comment: Observed in an individual undergoing multi-gene panel testing based on personal and family history of cancer (PMID: 31853058); Not observed at significant frequency in large population cohorts (gnomAD); In silico analysis indicates that this missense variant does not alter protein structure/function; Also known as 711G>A; This variant is associated with the following publications: (PMID: 32377563, 29884841, 31853058)

Ambry Genetics
Classification: Uncertain significance for Hereditary cancer-predisposing syndrome. Last evaluated: 2024-03-18. Review status: criteria provided, single submitter. Criteria: Ambry Variant Classification Scheme 2023. Collection method: clinical testing. Allele origin: germline.
Comment: The p.C161Y variant (also known as c.482G>A), located in coding exon 5 of the BRCA2 gene, results from a G to A substitution at nucleotide position 482. The cysteine at codon 161 is replaced by tyrosine, an amino acid with highly dissimilar properties. This amino acid position is not well conserved in available vertebrate species. In addition, this alteration is predicted to be tolerated by in silico analysis. Based on the available evidence, the clinical significance of this alteration remains unclear.

Genetic Services Laboratory, University of Chicago
Classification: Uncertain significance. Last evaluated: 2021-04-07. Review status: criteria provided, single submitter. Criteria: ACMG Guidelines, 2015. Collection method: clinical testing. Allele origin: germline. Affected: no.
Comment: DNA sequence analysis of the BRCA2 gene demonstrated a sequence change, c.482G>A, in exon 6 that results in an amino acid change, p.Cys161Tyr. This sequence change does not appear to have been previously described in patients with BRCA2-related disorders. This sequence change is absent in the gnomAD population database. The p.Cys161Tyr change affects a poorly conserved amino acid residue located in a domain of the BRCA2 protein that is known to be functional. The p.Cys161Tyr substitution appears to be benign using several in-silico pathogenicity prediction tools (SIFT, PolyPhen2, Align GVGD, REVEL). Due to these contrasting evidences and the lack of functional studies, the clinical significance of the p.Cys161Tyr change remains unknown at this time.